The following is an entry in ClinVar:

NM_002474.3(MYH11):c.4791+3G>A

Genes: NDE1 (nudE neurodevelopment protein 1; plus strand), MYH11 (myosin heavy chain 11; minus strand). Cytogenetic location: 16p13.11.
Variant type: single nucleotide variant.
Coding change: c.4791+3G>A on transcript NM_002474.3 (MANE Select); 3 bases into the intron after coding-DNA position 4791, G replaced by A.
Molecular consequence: intron variant.
Genome position (GRCh38, 1-based): chr16:15,720,836, C>T on the plus strand (G>A on the coding strand, the complement: MYH11 is on the minus strand). VCF-style: chr16-15720836-C-T. GRCh37 (hg19) VCF-style: chr16-15814693-C-T.
Other names: c.948-3355C>T (NM_001143979.2, NM_017668.3); c.4791+3G>A (NM_022844.3); c.4812+3G>A (NM_001040114.2, NM_001040113.2).
Identifiers: ClinVar variation 885833 (VCV000885833.8), dbSNP rs934815328, ClinGen allele CA278601598.

ClinVar aggregate classification (germline): Conflicting classifications of pathogenicity. Review status: criteria provided, conflicting classifications (1 of 4 stars). 4 submissions from 4 submitters: Uncertain significance (3); Likely benign (1). Last evaluated 2026-01-18.

Conditions:
Aortic aneurysm, familial thoracic 4 (AAT4). Also called: AORTIC ANEURYSM/AORTIC DISSECTION AND PATENT DUCTUS ARTERIOSUS. Identifiers: MedGen C1851504, MONDO:0007568, OMIM 132900.
Familial thoracic aortic aneurysm and aortic dissection (TAAD). Also called: Thoracic aortic aneurysms and dissections. Identifiers: Orphanet 91387, MedGen C4707243, MONDO:0019625.

Allele frequency attached by ClinVar (database versions not stated): gnomAD exomes 0.00001 and below 0.00001; TOPMed below 0.00001.
gnomAD v4.1: 6 of 1,613,334 alleles (0.00037%); highest among the groups gnomAD compares: East Asian, 0.0022%; no homozygotes.

Submissions (4):

Labcorp Genetics (formerly Invitae), Labcorp
Classification: Uncertain significance for Aortic aneurysm, familial thoracic 4. Last evaluated: 2026-01-18. Review status: criteria provided, single submitter. Criteria: Invitae Variant Classification Sherloc (09022015). Collection method: clinical testing. Allele origin: germline.
Comment: This sequence change falls in intron 34 of the MYH11 gene. It does not directly change the encoded amino acid sequence of the MYH11 protein. It affects a nucleotide within the consensus splice site. This variant is not present in population databases (gnomAD no frequency). This variant has not been reported in the literature in individuals affected with MYH11-related conditions. ClinVar contains an entry for this variant (Variation ID: 885833). Variants that disrupt the consensus splice site are a relatively common cause of aberrant splicing (PMID: 17576681, 9536098). Algorithms developed to predict the effect of sequence changes on RNA splicing suggest that this variant is not likely to affect RNA splicing. In summary, the available evidence is currently insufficient to determine the role of this variant in disease. Therefore, it has been classified as a Variant of Uncertain Significance.

All of Us Research Program, National Institutes of Health
Classification: Uncertain significance for Familial thoracic aortic aneurysm and aortic dissection. Last evaluated: 2023-05-31. Review status: criteria provided, single submitter. Criteria: ACMG Guidelines, 2015. Collection method: clinical testing. Allele origin: germline. Inheritance: Autosomal dominant inheritance. Observed: 1 variant allele, 1 heterozygote.
Comment: This study involves interpretation of variants in research participants for the purpose of population health screening. Participant phenotype was not available at the time of variant classification. Additional details can be found in publication PMID: 35346344, PMCID: PMC8962531

Color Diagnostics, LLC DBA Color Health
Classification: Likely benign for Familial thoracic aortic aneurysm and aortic dissection. Last evaluated: 2019-07-02. Review status: criteria provided, single submitter. Criteria: ACMG Guidelines, 2015. Collection method: clinical testing. Allele origin: germline.

Illumina Laboratory Services, Illumina
Classification: Uncertain significance for Aortic aneurysm, familial thoracic 4. Last evaluated: 2018-01-13. Review status: criteria provided, single submitter. Criteria: ICSL Variant Classification Criteria 13 December 2019. Collection method: clinical testing. Allele origin: germline.

Literature cited by the submitters: PubMed 17576681 (cited by Labcorp Genetics (formerly Invitae), Labcorp); PubMed 9536098 (cited by Labcorp Genetics (formerly Invitae), Labcorp).